The following is an entry in ClinVar:

ClinVar aggregate classification (germline): Benign (1 of 4 stars; one submission).

Conditions:
Ehlers-Danlos syndrome, classic type (cEDS). Identifiers: Orphanet 287, MedGen C4225429, MONDO:0007522.

Allele frequency attached by ClinVar (database versions not stated): TOPMed 0.00038; gnomAD 0.00064 and 0.00073.

Submission:

Illumina Laboratory Services, Illumina
Classification: Benign for Ehlers-Danlos syndrome, classic type, 1. Last evaluated: 2017-06-30. Review status: criteria provided, single submitter. Criteria: ICSL Variant Classification Criteria 13 December 2019. Collection method: clinical testing. Allele origin: germline.
Comment: This variant was observed as part of a predisposition screen in an ostensibly healthy population. A literature search was performed for the gene, cDNA change, and amino acid change (where applicable). No publications were found based on this search. Allele frequency data from public databases was too high to be consistent with this variant causing disease. Therefore, this variant is classified as benign.

NM_000093.5(COL5A1):c.*865T>A

Genes: COL5A1 (collagen type V alpha 1 chain; plus strand), LOC101448202 (uncharacterized LOC101448202; minus strand). Cytogenetic location: 9q34.3.
Variant type: single nucleotide variant.
Coding change: c.*865T>A on transcript NM_000093.5 (MANE Select); 865 bases downstream of the stop codon, T replaced by A.
Molecular consequence: 3 prime UTR variant.
Genome position (GRCh38, 1-based): chr9:134,843,168, T>A. VCF-style: chr9-134843168-T-A. GRCh37 (hg19) VCF-style: chr9-137735014-T-A.
Other names: c.*865T>A (NM_001278074.1).
Identifiers: ClinVar variation 914182 (VCV000914182.5), dbSNP rs910306671, ClinGen allele CA201120772.